The following is an entry in ClinVar:

ClinVar aggregate classification (germline): Uncertain significance. Review status: criteria provided, multiple submitters, no conflicts (2 of 4 stars). 2 submissions from 2 submitters: Uncertain significance (2). Last evaluated 2024-03-01.

Allele frequency attached by ClinVar (database versions not stated): gnomAD 0.00001; gnomAD exomes 0.00001; TOPMed 0.00001.
gnomAD v4.1: 16 of 1,570,452 alleles (0.001%); highest among the groups gnomAD compares: Middle Eastern, 0.017%; no homozygotes.

Submissions (2):

Labcorp Genetics (formerly Invitae), Labcorp
Classification: Uncertain significance. Last evaluated: 2024-03-01. Review status: criteria provided, single submitter. Criteria: Invitae Variant Classification Sherloc (09022015). Collection method: clinical testing. Allele origin: germline.
Comment: This sequence change replaces arginine, which is basic and polar, with glutamine, which is neutral and polar, at codon 682 of the COL9A3 protein (p.Arg682Gln). This variant is not present in population databases (gnomAD no frequency). This variant has not been reported in the literature in individuals affected with COL9A3-related conditions. ClinVar contains an entry for this variant (Variation ID: 1474025). Advanced modeling of protein sequence and biophysical properties (such as structural, functional, and spatial information, amino acid conservation, physicochemical variation, residue mobility, and thermodynamic stability) performed at Invitae indicates that this missense variant is not expected to disrupt COL9A3 protein function with a negative predictive value of 95%. In summary, the available evidence is currently insufficient to determine the role of this variant in disease. Therefore, it has been classified as a Variant of Uncertain Significance.

Blueprint Genetics
Classification: Uncertain significance. Last evaluated: 2019-08-23. Review status: criteria provided, single submitter. Criteria: ACMG Guidelines, 2015. Collection method: clinical testing. Allele origin: germline.

NM_001853.4(COL9A3):c.2045G>A (p.Arg682Gln)

Gene: COL9A3 (collagen type IX alpha 3 chain; plus strand). Cytogenetic location: 20q13.33.
Variant type: single nucleotide variant.
Coding change: c.2045G>A on transcript NM_001853.4 (MANE Select); coding-DNA position 2045, G replaced by A.
Protein change: p.Arg682Gln; replaces arginine 682 with glutamine.
Molecular consequence: missense variant.
Genome position (GRCh38, 1-based): chr20:62,840,722, G>A. VCF-style: chr20-62840722-G-A. GRCh37 (hg19) VCF-style: chr20-61472074-G-A.
Other names: short protein forms R682Q.
Identifiers: ClinVar variation 1474025 (VCV001474025.10), dbSNP rs776652428, ClinGen allele CA9950296.